The following is an entry in ClinVar:

ClinVar aggregate classification (germline): Benign (1 of 4 stars; one submission).

Conditions:
Hereditary spastic paraplegia 6 (SPG6). Also called: SPASTIC PARAPLEGIA 6, AUTOSOMAL DOMINANT. Identifiers: Orphanet 100988, MedGen C1838192, MONDO:0010878, OMIM 600363.

Allele frequency attached by ClinVar (database versions not stated): 1000 Genomes Project 0.00060; 1000 Genomes Project 30x 0.00078; gnomAD 0.00119 and 0.00130; TOPMed 0.00130.

Submission:

Illumina Laboratory Services, Illumina
Classification: Benign for Hereditary spastic paraplegia 6. Last evaluated: 2018-01-12. Review status: criteria provided, single submitter. Criteria: ICSL Variant Classification Criteria 13 December 2019. Collection method: clinical testing. Allele origin: germline.
Comment: This variant was observed in the ICSL laboratory as part of a predisposition screen in an ostensibly healthy population. It had not been previously curated by ICSL or reported in the Human Gene Mutation Database (HGMD: prior to June 1st, 2018), and was therefore a candidate for classification through an automated scoring system. Utilizing variant allele frequency, disease prevalence and penetrance estimates, and inheritance mode, an automated score was calculated to assess if this variant is too frequent to cause the disease. Based on the score and internal cut-off values, a variant classified as benign is not then subjected to further curation. The score for this variant resulted in a classification of benign for this disease.

NM_144599.5(NIPA1):c.*3590A>G

Gene: NIPA1 (NIPA magnesium transporter 1; plus strand). Cytogenetic location: 15q11.2.
Variant type: single nucleotide variant.
Coding change: c.*3590A>G on transcript NM_144599.5 (MANE Select); 3590 bases downstream of the stop codon, A replaced by G.
Molecular consequence: 3 prime UTR variant.
Genome position (GRCh38, 1-based): chr15:22,827,829, A>G. VCF-style: chr15-22827829-A-G. GRCh37 (hg19) VCF-style: chr15-23045239-T-C.
Other names: c.*3590A>G (NM_001142275.1).
Identifiers: ClinVar variation 315357 (VCV000315357.5), dbSNP rs145202306, ClinGen allele CA10646708.